The following is an entry in ClinVar:

NM_000133.4(F9):c.1305_1306del (p.Ala436fs)

Gene: F9 (coagulation factor IX; plus strand). Cytogenetic location: Xq27.1.
Variant type: Microsatellite.
Coding change: c.1305_1306del on transcript NM_000133.4 (MANE Select); coding-DNA positions 1305 to 1306, 2 bases deleted (TG; older notation c.1305_1306delTG).
Protein change: p.Ala436fs; shifts the reading frame from alanine 436.
Molecular consequence: frameshift variant.
Genome position (GRCh38, 1-based): chrX:139,561,990-139,561,991, TG deleted; deleting any 2 consecutive bases within chrX:139,561,987-139,561,991 gives the same sequence; the c. name uses the placement nearest the transcript's 3' end. VCF-style (leftmost placement, unchanged base first): chrX-139561986-AGT-A. GRCh37 (hg19) VCF-style: chrX-138644145-AGT-A.
Other names: p.Ala436Asnfs*19; c.1191_1192del, p.Ala398fs (NM_001313913.2); short protein forms A398fs, A436fs.
Identifiers: ClinVar variation 4542501 (VCV004542501.2).

ClinVar aggregate classification (germline): Pathogenic. Review status: criteria provided, multiple submitters, no conflicts (2 of 4 stars). 2 submissions from 2 submitters: Pathogenic (2). Last evaluated 2025-11-22.

Conditions:
Thrombophilia, X-linked, due to factor 9 defect. Identifiers: MedGen C2749016, MONDO:0010432, OMIM 300807.
Hereditary factor IX deficiency disease (HEMB). Also called: F9 DEFICIENCY; FACTOR IX DEFICIENCY; PLASMA THROMBOPLASTIN COMPONENT DEFICIENCY; Hemophilia B; Christmas Disease. Identifiers: Orphanet 98879, MedGen C0008533, MeSH D002836, MONDO:0010604, OMIM 306900.

Submissions (2):

Labcorp Genetics (formerly Invitae), Labcorp
Classification: Pathogenic for Thrombophilia, X-linked, due to factor 9 defect; Hereditary factor IX deficiency disease. Last evaluated: 2025-11-22. Review status: criteria provided, single submitter. Criteria: Invitae Variant Classification Sherloc (09022015). Collection method: clinical testing. Allele origin: germline.
Comment: This sequence change creates a premature translational stop signal (p.Ala436Asnfs*19) in the F9 gene. While this is not anticipated to result in nonsense mediated decay, it is expected to disrupt the last 26 amino acid(s) of the F9 protein. This variant is not present in population databases (gnomAD no frequency). This premature translational stop signal has been observed in individual(s) with clinical features of F9-related conditions (internal data). This variant disrupts a region of the F9 protein in which other variant(s) (p.Ile443Thr) have been determined to be pathogenic (PMID: 2494175, 24375831). This suggests that this is a clinically significant region of the protein, and that variants that disrupt it are likely to be disease-causing. For these reasons, this variant has been classified as Pathogenic.

Mayo Clinic Laboratories, Mayo Clinic
Classification: Pathogenic. Last evaluated: 2025-07-03. Review status: criteria provided, single submitter. Criteria: ACMG Guidelines, 2015. Collection method: clinical testing. Allele origin: germline. Observed: 1 variant allele.
Comment: PM2_supporting, PS4, PVS1_strong

Literature cited by the submitters: PubMed 2494175 (cited by Labcorp Genetics (formerly Invitae), Labcorp); PubMed 24375831 (cited by Labcorp Genetics (formerly Invitae), Labcorp); PubMed 29296726 (cited by Mayo Clinic Laboratories, Mayo Clinic); PubMed 8365725 (cited by Mayo Clinic Laboratories, Mayo Clinic); PubMed 8392713 (cited by Mayo Clinic Laboratories, Mayo Clinic).